The following is an entry in ClinVar:

NM_000276.4(OCRL):c.2214C>G (p.Ile738Met)

Gene: OCRL (OCRL inositol polyphosphate-5-phosphatase; plus strand). Cytogenetic location: Xq26.1.
Variant type: single nucleotide variant.
Coding change: c.2214C>G on transcript NM_000276.4 (MANE Select); coding-DNA position 2214, C replaced by G.
Protein change: p.Ile738Met; replaces isoleucine 738 with methionine.
Molecular consequence: missense variant.
Genome position (GRCh38, 1-based): chrX:129,587,076, C>G. VCF-style: chrX-129587076-C-G. GRCh37 (hg19) VCF-style: chrX-128721053-C-G.
Other names: c.2217C>G, p.Ile739Met (NM_001318784.2); c.2190C>G, p.Ile730Met (NM_001587.4); short protein forms I739M, I738M, I730M.
Identifiers: ClinVar variation 3022705 (VCV003022705.3), dbSNP rs1821394211, ClinGen allele CA414627875.

ClinVar aggregate classification (germline): Uncertain significance (1 of 4 stars; one submission).

Conditions:
Lowe syndrome (OCRL). Also called: LOWE OCULOCEREBRORENAL SYNDROME; PHOSPHATIDYLINOSITOL 4,5-BISPHOSPHATE 5-PHOSPHATASE DEFICIENCY; Oculocerebrorenal Syndrome. Identifiers: Orphanet 534, MedGen C0028860, MONDO:0010645, OMIM 309000.

Submission:

Labcorp Genetics (formerly Invitae), Labcorp
Classification: Uncertain significance for Lowe syndrome. Last evaluated: 2023-11-27. Review status: criteria provided, single submitter. Criteria: Invitae Variant Classification Sherloc (09022015). Collection method: clinical testing. Allele origin: germline.
Comment: This sequence change replaces isoleucine, which is neutral and non-polar, with methionine, which is neutral and non-polar, at codon 738 of the OCRL protein (p.Ile738Met). This variant is not present in population databases (gnomAD no frequency). This variant has not been reported in the literature in individuals affected with OCRL-related conditions. Advanced modeling of protein sequence and biophysical properties (such as structural, functional, and spatial information, amino acid conservation, physicochemical variation, residue mobility, and thermodynamic stability) performed at Invitae indicates that this missense variant is not expected to disrupt OCRL protein function with a negative predictive value of 95%. In summary, the available evidence is currently insufficient to determine the role of this variant in disease. Therefore, it has been classified as a Variant of Uncertain Significance.